The following is an entry in ClinVar:

ClinVar aggregate classification (germline): Uncertain significance (1 of 4 stars; one submission).

Allele frequency attached by ClinVar (database versions not stated): gnomAD exomes 0.00001; gnomAD 0.00001; TOPMed 0.00001.
gnomAD v4.1: 4 of 1,613,014 alleles (0.00025%); highest among the groups gnomAD compares: Admixed American, 0.0067%; no homozygotes.

Submission:

Labcorp Genetics (formerly Invitae), Labcorp
Classification: Uncertain significance. Last evaluated: 2025-12-21. Review status: criteria provided, single submitter. Criteria: Invitae Variant Classification Sherloc (09022015). Collection method: clinical testing. Allele origin: germline.
Comment: This sequence change falls in intron 14 of the CACNA1D gene. It does not directly change the encoded amino acid sequence of the CACNA1D protein. It affects a nucleotide within the consensus splice site. This variant is present in population databases (no rsID available, gnomAD 0.003%). This variant has not been reported in the literature in individuals affected with CACNA1D-related conditions. ClinVar contains an entry for this variant (Variation ID: 2904873). Variants that disrupt the consensus splice site are a relatively common cause of aberrant splicing (PMID: 17576681, 9536098). Algorithms developed to predict the effect of sequence changes on RNA splicing suggest that this variant is not likely to affect RNA splicing. In summary, the available evidence is currently insufficient to determine the role of this variant in disease. Therefore, it has been classified as a Variant of Uncertain Significance.

Literature cited by the submitters: PubMed 17576681; PubMed 9536098.

NM_001128840.3(CACNA1D):c.1892+4A>G

Gene: CACNA1D (calcium voltage-gated channel subunit alpha1 D; plus strand). Cytogenetic location: 3p21.1.
Variant type: single nucleotide variant.
Coding change: c.1892+4A>G on transcript NM_001128840.3 (MANE Select); 4 bases into the intron after coding-DNA position 1892, A replaced by G.
Molecular consequence: intron variant.
Genome position (GRCh38, 1-based): chr3:53,723,663, A>G. VCF-style: chr3-53723663-A-G. GRCh37 (hg19) VCF-style: chr3-53757690-A-G.
Other names: c.1892+4A>G (NM_001128839.3); c.1952+4A>G (NM_000720.4).
Identifiers: ClinVar variation 2904873 (VCV002904873.3), dbSNP rs1395202351, ClinGen allele CA543530496.
Genomic context (GRCh38, chr3:53,723,663, plus strand): 5'-CCTGGGGATCTCTGTGTTTCGGTGTGTGCGCCTCTTAAGAATCTTCAAAGTGACCAGGTA[A>G]GGAAATGTGGGTCCCACTGCAAATGTTTTATGAACATGAGGCGGCAACCAGTCACATCCC-3'